The following is an entry in ClinVar:

ClinVar aggregate classification (germline): Uncertain significance (1 of 4 stars; one submission).

gnomAD v4.1: 3 of 1,610,334 alleles (0.00019%); highest among the groups gnomAD compares: African/African-American, 0.0027%; no homozygotes.

Submission:

Labcorp Genetics (formerly Invitae), Labcorp
Classification: Uncertain significance. Last evaluated: 2022-01-18. Review status: criteria provided, single submitter. Criteria: Invitae Variant Classification Sherloc (09022015). Collection method: clinical testing. Allele origin: germline.
Comment: This sequence change replaces aspartic acid, which is acidic and polar, with asparagine, which is neutral and polar, at codon 1925 of the MYH9 protein (p.Asp1925Asn). This variant is not present in population databases (gnomAD no frequency). This variant has not been reported in the literature in individuals affected with MYH9-related conditions. Algorithms developed to predict the effect of missense changes on protein structure and function (SIFT, PolyPhen-2, Align-GVGD) all suggest that this variant is likely to be tolerated. In summary, the available evidence is currently insufficient to determine the role of this variant in disease. Therefore, it has been classified as a Variant of Uncertain Significance.

NM_002473.6(MYH9):c.5773G>A (p.Asp1925Asn)

Gene: MYH9 (myosin heavy chain 9; minus strand). Cytogenetic location: 22q12.3.
Variant type: single nucleotide variant.
Coding change: c.5773G>A on transcript NM_002473.6 (MANE Select); coding-DNA position 5773, G replaced by A.
Protein change: p.Asp1925Asn; replaces aspartic acid 1925 with asparagine.
Molecular consequence: missense variant.
Genome position (GRCh38, 1-based): chr22:36,282,778, C>T on the plus strand (G>A on the coding strand, the complement: MYH9 is on the minus strand). VCF-style: chr22-36282778-C-T. GRCh37 (hg19) VCF-style: chr22-36678824-C-T.
Other names: short protein forms D1925N.
Identifiers: ClinVar variation 2087813 (VCV002087813.4), dbSNP rs1161615308, ClinGen allele CA411371662.
Genomic context (GRCh38, chr22:36,282,778, plus strand): 5'-CGTCGGAGCCATCCCCGGCGCCTTTCCGGGCCATTCGGCGGGGCACGACAAACGGCAGGT[C>T]CCCGCGCCTGGGGGCAGAGGTAGAAGCAGAGGGTCAGCGGGCCCGGCCAGGCCAGGGGCG-3'
Protein context (NP_002464.1, residues 1915-1935): SSLKNKLRRG[Asp1925Asn]LPFVVPRRMA